The following is an entry in ClinVar:

ClinVar aggregate classification (germline): Uncertain significance. Review status: criteria provided, multiple submitters, no conflicts (2 of 4 stars). 2 submissions from 2 submitters: Uncertain significance (2). Last evaluated 2024-12-31.

Conditions:
Nemaline myopathy 10 (NEM10). Identifiers: MedGen C4015360, MONDO:0014513, OMIM 616165.
Inborn genetic diseases. Identifiers: MedGen C0950123, MeSH D030342.

Allele frequency attached by ClinVar (database versions not stated): gnomAD exomes below 0.00001; ExAC 0.00001.
gnomAD v4.1: 4 of 1,613,530 alleles (0.00025%); highest among the groups gnomAD compares: South Asian, 0.0022%; no homozygotes.

Submissions (2):

Ambry Genetics
Classification: Uncertain significance for Inborn genetic diseases. Last evaluated: 2024-12-31. Review status: criteria provided, single submitter. Criteria: Ambry Variant Classification Scheme 2023. Collection method: clinical testing. Allele origin: germline.

Labcorp Genetics (formerly Invitae), Labcorp
Classification: Uncertain significance for Nemaline myopathy 10. Last evaluated: 2018-08-09. Review status: criteria provided, single submitter. Criteria: Invitae Variant Classification Sherloc (09022015). Collection method: clinical testing. Allele origin: germline.
Comment: This sequence change replaces glutamine with glutamic acid at codon 54 of the LMOD3 protein (p.Gln54Glu). The glutamine residue is highly conserved and there is a small physicochemical difference between glutamine and glutamic acid. This variant is present in population databases (rs780274932, ExAC 0.002%). This variant has not been reported in the literature in individuals with LMOD3-related disease. Algorithms developed to predict the effect of missense changes on protein structure and function are either unavailable or do not agree on the potential impact of this missense change (SIFT: "Deleterious"; PolyPhen-2: "Probably Damaging"; Align-GVGD: "Class C0"). In summary, the available evidence is currently insufficient to determine the role of this variant in disease. Therefore, it has been classified as a Variant of Uncertain Significance.

NM_198271.5(LMOD3):c.160C>G (p.Gln54Glu)

Genes: LMOD3 (leiomodin 3; minus strand), LOC126806710 (CDK7 strongly-dependent group 2 enhancer GRCh37_chr3:69170601-69171800; plus strand). Cytogenetic location: 3p14.1.
Variant type: single nucleotide variant.
Coding change: c.160C>G on transcript NM_198271.5 (MANE Select); coding-DNA position 160, C replaced by G.
Protein change: p.Gln54Glu; replaces glutamine 54 with glutamic acid.
Molecular consequence: missense variant.
Genome position (GRCh38, 1-based): chr3:69,122,227, G>C on the plus strand (C>G on the coding strand, the complement: LMOD3 is on the minus strand). VCF-style: chr3-69122227-G-C. GRCh37 (hg19) VCF-style: chr3-69171378-G-C.
Other names: c.160C>G, p.Gln54Glu (NM_001304418.3); c.160C>G (NM_198271.3); short protein forms Q54E.
Identifiers: ClinVar variation 653040 (VCV000653040.2), dbSNP rs780274932, ClinGen allele CA2489061.